The following is an entry in ClinVar:

NM_030632.3(ASXL3):c.4336_4337del (p.Arg1446fs)

Gene: ASXL3 (ASXL transcriptional regulator 3; plus strand). Cytogenetic location: 18q12.1.
Variant type: Deletion.
Coding change: c.4336_4337del on transcript NM_030632.3 (MANE Select); coding-DNA positions 4336 to 4337, 2 bases deleted (AG; older notation c.4336_4337delAG).
Protein change: p.Arg1446fs; shifts the reading frame from arginine 1446.
Molecular consequence: frameshift variant.
Genome position (GRCh38, 1-based): chr18:33,744,184-33,744,185, AG deleted. VCF-style (leftmost placement, unchanged base first): chr18-33744183-CAG-C. GRCh37 (hg19) VCF-style: chr18-31324147-CAG-C.
Other names: c.4336_4337delAG (NM_030632.1); short protein forms R1446fs.
Identifiers: ClinVar variation 817954 (VCV000817954.8), dbSNP rs1599573656, ClinGen allele CA915952507.

ClinVar aggregate classification (germline): Conflicting classifications of pathogenicity. Review status: criteria provided, conflicting classifications (1 of 4 stars). 5 submissions from 5 submitters: Pathogenic (1); Uncertain significance (1). 3 of the submissions do not count toward it. Last evaluated 2019-10-30.

Conditions:
Bainbridge-Ropers syndrome. Also called: Severe feeding difficulties-failure to thrive-microcephaly due to ASXL3 deficiency syndrome. Identifiers: Orphanet 352577, MedGen C4750837, MONDO:0014205, OMIM 615485.
Intellectual disability. Also called: Intellectual developmental disorder; Intellectual functioning disability; intellectual disabilities. Identifiers: MedGen C3714756, MeSH D008607, MONDO:0001071, HP:0001249.

Submissions (5):

GeneDx
Classification: Pathogenic. Last evaluated: 2019-10-30. Review status: criteria provided, single submitter. Criteria: GeneDx Variant Classification Process June 2021. Collection method: clinical testing. Allele origin: germline. Affected: yes.
Comment: Frameshift variant in the C-terminus predicted to result in protein truncation, as the last 803 amino acids are lost and replaced with 2 incorrect amino acids; Not observed in large population cohorts (Lek et al., 2016); Has not been previously published as pathogenic or benign to our knowledge

Institute of Human Genetics, University of Leipzig Medical Center
Classification: Uncertain significance for Bainbridge-Ropers syndrome. Last evaluated: 2018-03-29. Review status: criteria provided, single submitter. Criteria: ACMG Guidelines, 2015. Collection method: clinical testing. Allele origin: germline. Affected: yes. Observed: 1 variant allele.

Diagnostic Laboratory, Strasbourg University Hospital
Classification: Pathogenic for Intellectual disability. Last evaluated: 2018-12-01. Review status: no assertion criteria provided. Collection method: clinical testing. Allele origin: de novo. Affected: yes. Observed: 1 heterozygote. Not counted in ClinVar's aggregate classification.

Genome Diagnostics Laboratory, Amsterdam University Medical Center
Classification: Pathogenic. Review status: no assertion criteria provided. Collection method: clinical testing. Allele origin: germline. Affected: yes. Study: VKGL Data-share Consensus. Not counted in ClinVar's aggregate classification.

Joint Genome Diagnostic Labs from Nijmegen and Maastricht, Radboudumc and MUMC+
Classification: Pathogenic. Review status: no assertion criteria provided. Collection method: clinical testing. Allele origin: germline. Affected: yes. Study: VKGL Data-share Consensus. Not counted in ClinVar's aggregate classification.